The following is an entry in ClinVar:

NM_002439.5(MSH3):c.366G>T (p.Lys122Asn)

Gene: MSH3 (mutS homolog 3; plus strand). Cytogenetic location: 5q14.1.
Variant type: single nucleotide variant.
Coding change: c.366G>T on transcript NM_002439.5 (MANE Select); coding-DNA position 366, G replaced by T.
Protein change: p.Lys122Asn; replaces lysine 122 with asparagine.
Molecular consequence: missense variant.
Genome position (GRCh38, 1-based): chr5:80,665,150, G>T. VCF-style: chr5-80665150-G-T. GRCh37 (hg19) VCF-style: chr5-79960969-G-T.
Other names: c.366G>T (NM_002439.3); short protein forms K122N.
Identifiers: ClinVar variation 1039266 (VCV001039266.9), dbSNP rs1472947441, ClinGen allele CA360262940.

ClinVar aggregate classification (germline): Uncertain significance. Review status: criteria provided, multiple submitters, no conflicts (2 of 4 stars). 2 submissions from 2 submitters: Uncertain significance (2). Last evaluated 2025-06-02.

Conditions:
Hereditary cancer-predisposing syndrome. Also called: Neoplastic Syndromes, Hereditary; Hereditary Cancer Syndrome; Tumor predisposition; Hereditary neoplastic syndrome. Identifiers: Orphanet 140162, MedGen C0027672, MeSH D009386, MONDO:0015356.

Allele frequency attached by ClinVar (database versions not stated): TOPMed 0.00001.

Submissions (2):

Labcorp Genetics (formerly Invitae), Labcorp
Classification: Uncertain significance. Last evaluated: 2025-06-02. Review status: criteria provided, single submitter. Criteria: Invitae Variant Classification Sherloc (09022015). Collection method: clinical testing. Allele origin: germline.
Comment: This sequence change replaces lysine, which is basic and polar, with asparagine, which is neutral and polar, at codon 122 of the MSH3 protein (p.Lys122Asn). This variant is not present in population databases (gnomAD no frequency). This variant has not been reported in the literature in individuals affected with MSH3-related conditions. ClinVar contains an entry for this variant (Variation ID: 1039266). An algorithm developed to predict the effect of missense changes on protein structure and function (PolyPhen-2) suggests that this variant is likely to be disruptive. In summary, the available evidence is currently insufficient to determine the role of this variant in disease. Therefore, it has been classified as a Variant of Uncertain Significance.

Ambry Genetics
Classification: Uncertain significance for Hereditary cancer-predisposing syndrome. Last evaluated: 2025-01-19. Review status: criteria provided, single submitter. Criteria: Ambry Variant Classification Scheme 2023. Collection method: clinical testing. Allele origin: germline.
Comment: The p.K122N variant (also known as c.366G>T), located in coding exon 3 of the MSH3 gene, results from a G to T substitution at nucleotide position 366. The lysine at codon 122 is replaced by asparagine, an amino acid with similar properties. This amino acid position is not well conserved in available vertebrate species. In addition, this alteration is predicted to be tolerated by in silico analysis. Based on the available evidence, the clinical significance of this variant remains unclear.